The following is an entry in ClinVar:

NM_002458.3(MUC5B):c.8367G>A (p.Thr2789=)

Genes: MUC5B (mucin 5B, oligomeric mucus/gel-forming; plus strand), MUC5B-AS1 (MUC5B antisense RNA 1; minus strand). Cytogenetic location: 11p15.5.
Variant type: single nucleotide variant.
Coding change: c.8367G>A on transcript NM_002458.3 (MANE Select); coding-DNA position 8367, G replaced by A.
Protein change: p.Thr2789=; no amino-acid change (threonine 2789 retained).
Molecular consequence: synonymous variant.
Genome position (GRCh38, 1-based): chr11:1,245,247, G>A. VCF-style: chr11-1245247-G-A. GRCh37 (hg19) VCF-style: chr11-1266477-G-A.
Identifiers: ClinVar variation 2641242 (VCV002641242.24), dbSNP rs201142926, ClinGen allele CA5806628.

ClinVar aggregate classification (germline): Likely benign (1 of 4 stars; one submission).

Allele frequency attached by ClinVar (database versions not stated): 1000 Genomes Project 30x 0.00906.

Submission:

CeGaT Center for Human Genetics Tuebingen
Classification: Likely benign. Last evaluated: 2024-07-01. Review status: criteria provided, single submitter. Criteria: CeGaT Center For Human Genetics Tuebingen Variant Classification Criteria Version 2. Collection method: clinical testing. Allele origin: germline. Affected: yes. Observed: 2 variant alleles.
Comment: MUC5B: BP4, BP7